The following is an entry in ClinVar:

NM_001005388.3(NFASC):c.3537C>T (p.Asp1179=)

Gene: NFASC (neurofascin; plus strand). Cytogenetic location: 1q32.1.
Variant type: single nucleotide variant.
Coding change: c.3537C>T on transcript NM_001005388.3 (MANE Select); coding-DNA position 3537, C replaced by T.
Protein change: p.Asp1179=; no amino-acid change (aspartic acid 1179 retained).
Molecular consequence: synonymous variant.
Genome position (GRCh38, 1-based): chr1:205,016,353, C>T. VCF-style: chr1-205016353-C-T. GRCh37 (hg19) VCF-style: chr1-204985481-C-T.
Other names: c.3384C>T, p.Asp1128= (NM_001160331.2); c.3339C>T, p.Asp1113= (NM_001160332.2); c.3003C>T, p.Asp1001= (NM_001365986.1); c.3858C>T, p.Asp1286= (NM_001378329.1); c.3324C>T, p.Asp1108= (NM_015090.4).
Identifiers: ClinVar variation 3042563 (VCV003042563.3), dbSNP rs369599367, ClinGen allele CA1350847.

ClinVar aggregate classification (germline): Likely benign. Review status: criteria provided, single submitter (1 of 4 stars). 2 submissions from 2 submitters: Likely benign (1). 1 of the submissions does not count toward it. Last evaluated 2024-09-30.

Conditions:
NFASC-related disorder. Also called: NFASC-related condition.

Allele frequency attached by ClinVar (database versions not stated): gnomAD exomes 0.00011; ExAC 0.00012; 1000 Genomes Project 30x 0.00016; 1000 Genomes Project 0.00020; ESP Exome Variant Server 0.00008; TOPMed 0.00008; gnomAD 0.00009.
gnomAD v4.1: 180 of 1,613,978 alleles (0.011%); highest among the groups gnomAD compares: Middle Eastern, 0.066%; 1 homozygote.

Submissions (2):

Blueprint Genetics
Classification: Likely benign. Last evaluated: 2024-09-30. Review status: criteria provided, single submitter. Criteria: ACMG Guidelines, 2015. Collection method: clinical testing. Allele origin: germline.

PreventionGenetics, part of Exact Sciences
Classification: Likely benign for NFASC-related condition. Last evaluated: 2019-06-27. Review status: no assertion criteria provided. Collection method: clinical testing. Allele origin: germline. Not counted in ClinVar's aggregate classification.
Comment: This variant is classified as likely benign based on ACMG/AMP sequence variant interpretation guidelines (Richards et al. 2015 PMID: 25741868, with internal and published modifications).